The following is an entry in ClinVar:

NM_052867.4(NALCN):c.4394A>G (p.Asn1465Ser)

Gene: NALCN (sodium leak channel, non-selective; minus strand). Cytogenetic location: 13q32.3.
Variant type: single nucleotide variant.
Coding change: c.4394A>G on transcript NM_052867.4 (MANE Select); coding-DNA position 4394, A replaced by G.
Protein change: p.Asn1465Ser; replaces asparagine 1465 with serine.
Molecular consequence: missense variant.
Genome position (GRCh38, 1-based): chr13:101,067,970, T>C on the plus strand (A>G on the coding strand, the complement: NALCN is on the minus strand). VCF-style: chr13-101067970-T-C. GRCh37 (hg19) VCF-style: chr13-101720322-T-C.
Other names: c.4481A>G, p.Asn1494Ser (NM_001350748.2); c.4394A>G, p.Asn1465Ser (NM_001350749.2); c.4307A>G, p.Asn1436Ser (NM_001350750.2, NM_001350751.2); short protein forms N1436S, N1465S, N1494S.
Identifiers: ClinVar variation 1019971 (VCV001019971.9), dbSNP rs199661686, ClinGen allele CA7035130.
Genomic context (GRCh38, chr13:101,067,970, plus strand): 5'-TCCCATACCTCTCTTTTATCATCCACCATGTTCCATATTATTTGAAAGTGGCGAAGATCA[T>C]TGTAACTTAAAAGCTGGTCCTCCTCAGTGGAATAAAACAAGGAGAAATTCTCCACAATTA-3'
Protein context (NP_443099.1, residues 1455-1475): STEEDQLLSY[Asn1465Ser]DLRHFQIIWN

ClinVar aggregate classification (germline): Uncertain significance (1 of 4 stars; one submission).

Allele frequency attached by ClinVar (database versions not stated): ExAC 0.00001; gnomAD 0.00001; gnomAD exomes 0.00001; 1000 Genomes Project 0.00020; 1000 Genomes Project 30x 0.00031.
gnomAD v4.1: 12 of 1,613,436 alleles (0.00074%); highest among the groups gnomAD compares: African/African-American, 0.0013%; no homozygotes.

Submission:

Labcorp Genetics (formerly Invitae), Labcorp
Classification: Uncertain significance. Last evaluated: 2025-10-26. Review status: criteria provided, single submitter. Criteria: Invitae Variant Classification Sherloc (09022015). Collection method: clinical testing. Allele origin: germline.
Comment: This sequence change replaces asparagine, which is neutral and polar, with serine, which is neutral and polar, at codon 1465 of the NALCN protein (p.Asn1465Ser). This variant is present in population databases (rs199661686, gnomAD 0.007%). This variant has not been reported in the literature in individuals affected with NALCN-related conditions. ClinVar contains an entry for this variant (Variation ID: 1019971). Invitae Evidence Modeling of protein sequence and biophysical properties (such as structural, functional, and spatial information, amino acid conservation, physicochemical variation, residue mobility, and thermodynamic stability) indicates that this missense variant is not expected to disrupt NALCN protein function with a negative predictive value of 80%. In summary, the available evidence is currently insufficient to determine the role of this variant in disease. Therefore, it has been classified as a Variant of Uncertain Significance.